The following is an entry in ClinVar:

NM_001365951.3(KIF1B):c.244C>T (p.Leu82Phe)

Gene: KIF1B (kinesin family member 1B; plus strand). Cytogenetic location: 1p36.22.
Variant type: single nucleotide variant.
Coding change: c.244C>T on transcript NM_001365951.3 (MANE Select); coding-DNA position 244, C replaced by T.
Protein change: p.Leu82Phe; replaces leucine 82 with phenylalanine.
Molecular consequence: missense variant.
Genome position (GRCh38, 1-based): chr1:10,258,553, C>T. VCF-style: chr1-10258553-C-T. GRCh37 (hg19) VCF-style: chr1-10318611-C-T.
Other names: c.244C>T, p.Leu82Phe (NM_001365952.1, NM_001365953.1, NM_015074.3 and 1 more transcripts); short protein forms L82F.
Identifiers: ClinVar variation 4043129 (VCV004043129.1).

ClinVar aggregate classification (germline): Uncertain significance (1 of 4 stars; one submission).

Submission:

Ambry Genetics
Classification: Uncertain significance. Last evaluated: 2025-05-15. Review status: criteria provided, single submitter. Criteria: Ambry Variant Classification Scheme 2023. Collection method: clinical testing. Allele origin: germline.
Comment: The p.L82F variant (also known as c.244C>T), located in coding exon 3 of the KIF1B gene, results from a C to T substitution at nucleotide position 244. The leucine at codon 82 is replaced by phenylalanine, an amino acid with highly similar properties. This amino acid position is conserved. In addition, this alteration is predicted to be deleterious by in silico analysis. Based on the available evidence, the clinical significance of this variant remains unclear.